The following is an entry in ClinVar:

ClinVar aggregate classification (germline): Benign/Likely benign. Review status: criteria provided, multiple submitters, no conflicts (2 of 4 stars). 5 submissions from 5 submitters: Benign (1); Likely benign (3). 1 of the submissions does not count toward it. Last evaluated 2025-10-09.

Conditions:
AHDC1-related disorder. Also called: AHDC1-related condition.

Allele frequency attached by ClinVar (database versions not stated): gnomAD 0.00007; ExAC 0.00011; ESP Exome Variant Server 0.00016.
gnomAD v4.1: 58 of 1,611,662 alleles (0.0036%); highest among the groups gnomAD compares: African/African-American, 0.016%; no homozygotes.

Submissions (5):

Labcorp Genetics (formerly Invitae), Labcorp
Classification: Likely benign. Last evaluated: 2025-10-09. Review status: criteria provided, single submitter. Criteria: Invitae Variant Classification Sherloc (09022015). Collection method: clinical testing. Allele origin: germline.

Laboratory of Genetics, Children's Clinical University Hospital Latvia
Classification: Benign. Last evaluated: 2025-02-16. Review status: criteria provided, single submitter. Criteria: ACMG Guidelines, 2015. Collection method: clinical testing. Allele origin: germline. Affected: yes.

CeGaT Center for Human Genetics Tuebingen
Classification: Likely benign. Last evaluated: 2023-03-01. Review status: criteria provided, single submitter. Criteria: CeGaT Center For Human Genetics Tuebingen Variant Classification Criteria Version 2. Collection method: clinical testing. Allele origin: germline. Affected: yes. Observed: 1 variant allele.
Comment: AHDC1: BP4, BP7

Blueprint Genetics
Classification: Likely benign. Last evaluated: 2022-03-28. Review status: criteria provided, single submitter. Criteria: ACMG Guidelines, 2015. Collection method: clinical testing. Allele origin: germline.

PreventionGenetics, part of Exact Sciences
Classification: Likely benign for AHDC1-related condition. Last evaluated: 2019-03-14. Review status: no assertion criteria provided. Collection method: clinical testing. Allele origin: germline. Not counted in ClinVar's aggregate classification.
Comment: This variant is classified as likely benign based on ACMG/AMP sequence variant interpretation guidelines (Richards et al. 2015 PMID: 25741868, with internal and published modifications).

NM_001371928.1(AHDC1):c.807C>T (p.Pro269=)

Gene: AHDC1 (AT-hook DNA binding motif containing 1; minus strand). Cytogenetic location: 1p36.11.
Variant type: single nucleotide variant.
Coding change: c.807C>T on transcript NM_001371928.1 (MANE Select); coding-DNA position 807, C replaced by T.
Protein change: p.Pro269=; no amino-acid change (proline 269 retained).
Molecular consequence: synonymous variant.
Genome position (GRCh38, 1-based): chr1:27,551,309, G>A on the plus strand (C>T on the coding strand, the complement: AHDC1 is on the minus strand). VCF-style: chr1-27551309-G-A. GRCh37 (hg19) VCF-style: chr1-27877820-G-A.
Other names: c.807C>T, p.Pro269= (NM_001029882.3).
Identifiers: ClinVar variation 1902475 (VCV001902475.36), dbSNP rs374019808, ClinGen allele CA716078.
Genomic context (GRCh38, chr1:27,551,309, plus strand): 5'-CTCTAGTGCCTGCGGGTCCAGGAAGCGGGGCTGGGGGTCCAGGAGCTGAGGCTCCGGCTC[G>A]GGCGATGGTGGCTCGAGGGCCTGGGCCTCTAGCAGCTGGGCCTCTGGGCAAGTGAGGGAG-3'
Protein context (NP_001358857.1, residues 259-279): LEAQALEPPS[Pro269=]EPEPQLLDPQ